The following is an entry in ClinVar:

NM_017433.5(MYO3A):c.4685G>A (p.Arg1562Lys)

Gene: MYO3A (myosin IIIA; plus strand). Cytogenetic location: 10p12.1.
Variant type: single nucleotide variant.
Coding change: c.4685G>A on transcript NM_017433.5 (MANE Select); coding-DNA position 4685, G replaced by A.
Protein change: p.Arg1562Lys; replaces arginine 1562 with lysine.
Molecular consequence: missense variant.
Genome position (GRCh38, 1-based): chr10:26,203,062, G>A. VCF-style: chr10-26203062-G-A. GRCh37 (hg19) VCF-style: chr10-26491991-G-A.
Other names: short protein forms R1562K.
Identifiers: ClinVar variation 4686263 (VCV004686263.1).

ClinVar aggregate classification (germline): Uncertain significance (1 of 4 stars; one submission).

Submission:

GeneDx
Classification: Uncertain significance. Last evaluated: 2025-07-15. Review status: criteria provided, single submitter. Criteria: GeneDx Variant Classification Process June 2021. Collection method: clinical testing. Allele origin: germline. Affected: yes.
Comment: Not observed at significant frequency in large population cohorts (gnomAD); In silico analysis suggests that this missense variant does not alter protein structure/function; Has not been previously published as pathogenic or benign to our knowledge